The following is an entry in ClinVar:

NM_021072.4(HCN1):c.158A>C (p.His53Pro)

Gene: HCN1 (hyperpolarization activated cyclic nucleotide gated potassium channel 1; minus strand). Cytogenetic location: 5p12.
Variant type: single nucleotide variant.
Coding change: c.158A>C on transcript NM_021072.4 (MANE Select); coding-DNA position 158, A replaced by C.
Protein change: p.His53Pro; replaces histidine 53 with proline.
Molecular consequence: missense variant.
Genome position (GRCh38, 1-based): chr5:45,695,936, T>G on the plus strand (A>C on the coding strand, the complement: HCN1 is on the minus strand). VCF-style: chr5-45695936-T-G. GRCh37 (hg19) VCF-style: chr5-45696038-T-G.
Other names: short protein forms H53P.
Identifiers: ClinVar variation 530485 (VCV000530485.11), dbSNP rs1554040137, ClinGen allele CA359706628.
Genomic context (GRCh38, chr5:45,695,936, plus strand): 5'-CCGCCGCCGCCGCCGCCACCGCCGCCACCGCCGTCCACCTTGAAGCACACGGAGTTGCCG[T>G]GCTCCTTCGCGCCGGCCCCGCCGCCCCCCGGCGGGGTGCCCAGGCGCTTCTCGGCCGCGG-3'
Protein context (NP_066550.2, residues 43-63): PGGGGAGAKE[His53Pro]GNSVCFKVDG

ClinVar aggregate classification (germline): Uncertain significance (1 of 4 stars; one submission).

Conditions:
Early-infantile DEE. Also called: Early infantile epileptic encephalopathy; Early infantile epileptic encephalopathy with suppression bursts; Ohtahara syndrome. Identifiers: Orphanet 1934, MedGen C0393706, MONDO:0800491.

Allele frequency attached by ClinVar (database versions not stated): gnomAD 0.00001.

Submission:

Labcorp Genetics (formerly Invitae), Labcorp
Classification: Uncertain significance for Early-infantile DEE. Last evaluated: 2023-11-18. Review status: criteria provided, single submitter. Criteria: Invitae Variant Classification Sherloc (09022015). Collection method: clinical testing. Allele origin: germline.
Comment: This sequence change replaces histidine, which is basic and polar, with proline, which is neutral and non-polar, at codon 53 of the HCN1 protein (p.His53Pro). This variant is not present in population databases (gnomAD no frequency). This missense change has been observed in individual(s) with clinical features of developmental and epileptic encephalopathy (Invitae). ClinVar contains an entry for this variant (Variation ID: 530485). Advanced modeling of protein sequence and biophysical properties (such as structural, functional, and spatial information, amino acid conservation, physicochemical variation, residue mobility, and thermodynamic stability) performed at Invitae indicates that this missense variant is not expected to disrupt HCN1 protein function with a negative predictive value of 95%. In summary, the available evidence is currently insufficient to determine the role of this variant in disease. Therefore, it has been classified as a Variant of Uncertain Significance.